The following is an entry in ClinVar:

NM_001127222.2(CACNA1A):c.698T>C (p.Leu233Pro)

Gene: CACNA1A (calcium voltage-gated channel subunit alpha1 A; minus strand). Cytogenetic location: 19p13.13.
Variant type: single nucleotide variant.
Coding change: c.698T>C on transcript NM_001127222.2 (MANE Select); coding-DNA position 698, T replaced by C.
Protein change: p.Leu233Pro; replaces leucine 233 with proline.
Molecular consequence: missense variant.
Genome position (GRCh38, 1-based): chr19:13,365,403, A>G on the plus strand (T>C on the coding strand, the complement: CACNA1A is on the minus strand). VCF-style: chr19-13365403-A-G. GRCh37 (hg19) VCF-style: chr19-13476217-A-G.
Other names: c.698T>C, p.Leu233Pro (NM_000068.4, NM_001127221.2, NM_001174080.2 and 1 more transcripts); short protein forms L233P.
Identifiers: ClinVar variation 1044269 (VCV001044269.9), dbSNP rs2059190252, ClinGen allele CA404348526.

ClinVar aggregate classification (germline): Uncertain significance (1 of 4 stars; one submission).

Conditions:
Developmental and epileptic encephalopathy, 42 (DEE42A). Also called: DEVELOPMENTAL AND EPILEPTIC ENCEPHALOPATHY 42A; EPILEPTIC ENCEPHALOPATHY, EARLY INFANTILE, 42A; Epileptic encephalopathy, early infantile, 42. Identifiers: MedGen C4310716, MONDO:0014917, OMIM 617106.
Episodic ataxia type 2 (EA2). Also called: CEREBELLAR ATAXIA, PAROXYSMAL, ACETAZOLAMIDE-RESPONSIVE; CEREBELLOPATHY, HEREDITARY PAROXYSMAL; EPISODIC ATAXIA, NYSTAGMUS-ASSOCIATED; ACETAZOLAMIDE-RESPONSIVE HEREDITARY PAROXYSMAL CEREBELLAR ATAXIA; ATAXIA, EPISODIC, WITH NYSTAGMUS; ATAXIA, FAMILIAL PAROXYSMAL. Identifiers: Orphanet 97, MedGen C1720416, MONDO:0007163, OMIM 108500.

Submission:

Labcorp Genetics (formerly Invitae), Labcorp
Classification: Uncertain significance for Developmental and epileptic encephalopathy, 42; Episodic ataxia type 2. Last evaluated: 2024-02-17. Review status: criteria provided, single submitter. Criteria: Invitae Variant Classification Sherloc (09022015). Collection method: clinical testing. Allele origin: germline.
Comment: This sequence change replaces leucine, which is neutral and non-polar, with proline, which is neutral and non-polar, at codon 233 of the CACNA1A protein (p.Leu233Pro). This variant is not present in population databases (gnomAD no frequency). This variant has not been reported in the literature in individuals affected with CACNA1A-related conditions. ClinVar contains an entry for this variant (Variation ID: 1044269). Advanced modeling of protein sequence and biophysical properties (such as structural, functional, and spatial information, amino acid conservation, physicochemical variation, residue mobility, and thermodynamic stability) performed at Invitae indicates that this missense variant is expected to disrupt CACNA1A protein function with a positive predictive value of 95%. In summary, the available evidence is currently insufficient to determine the role of this variant in disease. Therefore, it has been classified as a Variant of Uncertain Significance.